The following is an entry in ClinVar:

ClinVar aggregate classification (germline): Uncertain significance. Review status: criteria provided, multiple submitters, no conflicts (2 of 4 stars). 2 submissions from 2 submitters: Uncertain significance (2). Last evaluated 2024-06-20.

Conditions:
Cystic fibrosis (CF). Also called: MUCOVISCIDOSIS. Identifiers: Orphanet 586, MedGen C0010674, MONDO:0009061, OMIM 219700. Disease mechanism: loss of function.

Allele frequency attached by ClinVar (database versions not stated): gnomAD exomes 0.00001; TOPMed below 0.00001.
gnomAD v4.1: 3 of 1,613,252 alleles (0.00019%); highest among the groups gnomAD compares: Admixed American, 0.005%; no homozygotes.

Submissions (2):

Labcorp Genetics (formerly Invitae), Labcorp
Classification: Uncertain significance for Cystic fibrosis. Last evaluated: 2024-06-20. Review status: criteria provided, single submitter. Criteria: Invitae Variant Classification Sherloc (09022015). Collection method: clinical testing. Allele origin: germline.
Comment: This sequence change falls in intron 22 of the CFTR gene. It does not directly change the encoded amino acid sequence of the CFTR protein. It affects a nucleotide within the consensus splice site. This variant is present in population databases (rs397508596, gnomAD 0.009%). This variant has not been reported in the literature in individuals affected with CFTR-related conditions. ClinVar contains an entry for this variant (Variation ID: 1734251). Variants that disrupt the consensus splice site are a relatively common cause of aberrant splicing (PMID: 17576681, 9536098). Algorithms developed to predict the effect of sequence changes on RNA splicing suggest that this variant is not likely to affect RNA splicing. This variant disrupts the c.3718-3 nucleotide in the CFTR gene. Other variant(s) that disrupt this nucleotide have been determined to be pathogenic (PMID: 7682196, 30296588; Invitae). This suggests that this nucleotide is clinically significant, and that variants that disrupt this position are likely to be disease-causing. In summary, the available evidence is currently insufficient to determine the role of this variant in disease. Therefore, it has been classified as a Variant of Uncertain Significance.

Ambry Genetics
Classification: Uncertain significance for Cystic fibrosis. Last evaluated: 2021-05-26. Review status: criteria provided, single submitter. Criteria: Ambry Variant Classification Scheme 2023. Collection method: clinical testing. Allele origin: germline.
Comment: The c.3718-3T>C intronic variant results from a T to C substitution 3 nucleotides upstream from coding exon 23 in the CFTR gene. This nucleotide position is not well conserved in available vertebrate species. In silico splice site analysis predicts that this alteration will not have any significant effect on splicing. Since supporting evidence is limited at this time, the clinical significance of this alteration remains unclear.

Literature cited by the submitters: PubMed 17576681 (cited by Labcorp Genetics (formerly Invitae), Labcorp); PubMed 9536098 (cited by Labcorp Genetics (formerly Invitae), Labcorp); PubMed 7682196 (cited by Labcorp Genetics (formerly Invitae), Labcorp); PubMed 30296588 (cited by Labcorp Genetics (formerly Invitae), Labcorp).

NM_000492.4(CFTR):c.3718-3T>C

Genes: CFTR (CF transmembrane conductance regulator; plus strand), CFTR-AS2 (CFTR antisense RNA 2; minus strand). Cytogenetic location: 7q31.2.
Variant type: single nucleotide variant.
Coding change: c.3718-3T>C on transcript NM_000492.4 (MANE Select); 3 bases into the intron before coding-DNA position 3718, T replaced by C.
Molecular consequence: intron variant.
Genome position (GRCh38, 1-based): chr7:117,642,435, T>C. VCF-style: chr7-117642435-T-C. GRCh37 (hg19) VCF-style: chr7-117282489-T-C.
Identifiers: ClinVar variation 1734251 (VCV001734251.4), dbSNP rs397508596, ClinGen allele CA4451539.